The following is an entry in ClinVar:

ClinVar aggregate classification (germline): Uncertain significance (1 of 4 stars; one submission).

gnomAD v4.1: 2 of 1,611,972 alleles (0.00012%); highest among the groups gnomAD compares: Non-Finnish European, 0.000085%; no homozygotes.

Submission:

GeneDx
Classification: Uncertain significance. Last evaluated: 2026-01-26. Review status: criteria provided, single submitter. Criteria: GeneDx Variant Classification Process June 2021. Collection method: clinical testing. Allele origin: germline.
Comment: Not observed at significant frequency in large population cohorts (gnomAD); In silico analysis supports a deleterious effect on splicing; Has not been previously published as pathogenic or benign to our knowledge

NM_001256071.3(RNF213):c.2901+3A>C

Gene: RNF213 (ring finger protein 213; plus strand). Cytogenetic location: 17q25.3.
Variant type: single nucleotide variant.
Coding change: c.2901+3A>C on transcript NM_001256071.3 (MANE Select); 3 bases into the intron after coding-DNA position 2901, A replaced by C.
Molecular consequence: intron variant.
Genome position (GRCh38, 1-based): chr17:80,317,280, A>C. VCF-style: chr17-80317280-A-C. GRCh37 (hg19) VCF-style: chr17-78291080-A-C.
Other names: c.3048+3A>C (NM_020914.5, NM_001410195.1); c.2901+3A>C (NM_020954.4).
Identifiers: ClinVar variation 4975659 (VCV004975659.1).